The following is an entry in ClinVar:

NM_001267550.2(TTN):c.85609del (p.Pro28536_Leu28537insTer)

Genes: TTN (titin; minus strand), TTN-AS1 (TTN antisense RNA 1; plus strand). Cytogenetic location: 2q31.2.
Variant type: Deletion.
Coding change: c.85609del on transcript NM_001267550.2 (MANE Select); coding-DNA position 85609, one base deleted (C; older notation c.85609delC).
Protein change: p.Pro28536_Leu28537insTer.
Molecular consequence: nonsense.
Genome position (GRCh38, 1-based): chr2:178,560,523, G deleted on the plus strand (C on the coding strand, the reverse complement: TTN is on the minus strand); the first of 4 consecutive G bases (chr2:178,560,523-178,560,526); deleting any one gives the same sequence. VCF-style (leftmost placement, unchanged base first): chr2-178560522-AG-A. GRCh37 (hg19) VCF-style: chr2-179425249-AG-A.
Other names: c.80686del, p.Pro26895_Leu26896insTer (NM_001256850.1); c.58414del, p.Pro19471_Leu19472insTer (NM_003319.4); c.77905del, p.Pro25968_Leu25969insTer (NM_133378.4); c.58789del, p.Pro19596_Leu19597insTer (NM_133432.3); c.58990del, p.Pro19663_Leu19664insTer (NM_133437.4).
Identifiers: ClinVar variation 4787171 (VCV004787171.1).
Genomic context (GRCh38, chr2:178,560,522, plus strand): 5'-AAAGACGTGGGTGGACTTGGAACTGTAAATGGATCTAGTGCCTTTATAGCTACACTCTCT[AG>A]GGGCTCACCAACACCATATTTATTAACACCAGTTACTCTAAATATATATTCATTGCCTTT-3'

ClinVar aggregate classification (germline): Likely pathogenic (1 of 4 stars; one submission).

Conditions:
Autosomal recessive limb-girdle muscular dystrophy type 2J (LGMDR10). Also called: Limb-girdle muscular dystrophy, type 2J; MUSCULAR DYSTROPHY, LIMB-GIRDLE, AUTOSOMAL RECESSIVE 10. Identifiers: Orphanet 140922, MedGen C1837342, MONDO:0012127, OMIM 608807.
Dilated cardiomyopathy 1G (CMD1G). Identifiers: Orphanet 154, MedGen C1858763, MONDO:0011400, OMIM 604145.

Submission:

Labcorp Genetics (formerly Invitae), Labcorp
Classification: Likely pathogenic for Dilated cardiomyopathy 1G; Autosomal recessive limb-girdle muscular dystrophy type 2J. Last evaluated: 2026-01-06. Review status: criteria provided, single submitter. Criteria: Invitae Variant Classification Sherloc (09022015). Collection method: clinical testing. Allele origin: germline.
Comment: This sequence change creates a premature translational stop signal (p.Leu28537*) in the TTN gene. While this is not anticipated to result in nonsense mediated decay, it is expected to create a truncated TTN protein. This variant is not present in population databases (gnomAD no frequency). This variant has not been reported in the literature in individuals affected with TTN-related conditions. This variant is located in the A band of TTN (PMID: 25589632). Truncating variants in this region are significantly overrepresented in patients affected with dilated cardiomyopathy (PMID: 25589632). Truncating variants in this region have also been reported in individuals affected with autosomal recessive centronuclear myopathy (PMID: 23975875). In summary, the currently available evidence indicates that the variant is pathogenic, but additional data are needed to prove that conclusively. Therefore, this variant has been classified as Likely Pathogenic.

Literature cited by the submitters: PubMed 25589632; PubMed 23975875.